The following is an entry in ClinVar:

ClinVar aggregate classification (germline): Likely benign (0 of 4 stars; one submission).

Conditions:
MDN1-related disorder. Also called: MDN1-related condition.

Allele frequency attached by ClinVar (database versions not stated): gnomAD exomes 0.00001.
gnomAD v4.1: 12 of 1,614,062 alleles (0.00074%); highest among the groups gnomAD compares: Non-Finnish European, 0.001%; no homozygotes.

Submission:

PreventionGenetics, part of Exact Sciences
Classification: Likely benign for MDN1-related condition. Last evaluated: 2019-07-23. Review status: no assertion criteria provided. Collection method: clinical testing. Allele origin: germline.
Comment: This variant is classified as likely benign based on ACMG/AMP sequence variant interpretation guidelines (Richards et al. 2015 PMID: 25741868, with internal and published modifications).

NM_014611.3(MDN1):c.15714A>G (p.Gln5238=)

Genes: MDN1 (midasin AAA ATPase 1; minus strand), MDN1-AS1 (MDN1 antisense RNA 1; plus strand). Cytogenetic location: 6q15.
Variant type: single nucleotide variant.
Coding change: c.15714A>G on transcript NM_014611.3 (MANE Select); coding-DNA position 15714, A replaced by G.
Protein change: p.Gln5238=; no amino-acid change (glutamine 5238 retained).
Molecular consequence: synonymous variant.
Genome position (GRCh38, 1-based): chr6:89,653,103, T>C on the plus strand (A>G on the coding strand, the complement: MDN1 is on the minus strand). VCF-style: chr6-89653103-T-C. GRCh37 (hg19) VCF-style: chr6-90362822-T-C.
Identifiers: ClinVar variation 3049604 (VCV003049604.2), dbSNP rs1047136610, ClinGen allele CA142971012.